The following is an entry in ClinVar:

NM_005708.5(GPC6):c.*1665C>A

Gene: GPC6 (glypican 6; plus strand). Cytogenetic location: 13q32.1.
Variant type: single nucleotide variant.
Coding change: c.*1665C>A on transcript NM_005708.5 (MANE Select); 1665 bases downstream of the stop codon, C replaced by A.
Molecular consequence: 3 prime UTR variant.
Genome position (GRCh38, 1-based): chr13:94,404,882, C>A. VCF-style: chr13-94404882-C-A. GRCh37 (hg19) VCF-style: chr13-95057136-C-A.
Identifiers: ClinVar variation 312584 (VCV000312584.6), dbSNP rs7334430, ClinGen allele CA10634578.

ClinVar aggregate classification (germline): Benign. Review status: criteria provided, multiple submitters, no conflicts (2 of 4 stars). 2 submissions from 2 submitters: Benign (2). Last evaluated 2018-01-13.

Conditions:
Autosomal recessive omodysplasia (OMOD1). Also called: MICROMELIC DYSPLASIA, CONGENITAL, WITH DISLOCATION OF RADIUS. Identifiers: Orphanet 2733, Orphanet 93329, MedGen C1850318, MONDO:0009779, OMIM 258315.

Allele frequency attached by ClinVar (database versions not stated): gnomAD exomes 0.14286; gnomAD 0.18473 and 0.19440; TOPMed 0.20133; 1000 Genomes Project 30x 0.32464; 1000 Genomes Project 0.32827.
gnomAD v4.1: 29,317 of 152,118 alleles (19%); highest among the groups gnomAD compares: East Asian, 63%; 3,789 homozygotes.

Submissions (2):

Illumina Laboratory Services, Illumina
Classification: Benign for Autosomal recessive omodysplasia. Last evaluated: 2018-01-13. Review status: criteria provided, single submitter. Criteria: ICSL Variant Classification Criteria 13 December 2019. Collection method: clinical testing. Allele origin: germline.
Comment: This variant was observed in the ICSL laboratory as part of a predisposition screen in an ostensibly healthy population. It had not been previously curated by ICSL or reported in the Human Gene Mutation Database (HGMD: prior to June 1st, 2018), and was therefore a candidate for classification through an automated scoring system. Utilizing variant allele frequency, disease prevalence and penetrance estimates, and inheritance mode, an automated score was calculated to assess if this variant is too frequent to cause the disease. Based on the score and internal cut-off values, a variant classified as benign is not then subjected to further curation. The score for this variant resulted in a classification of benign for this disease.

Breakthrough Genomics
Classification: Benign. Review status: criteria provided, single submitter. Criteria: ACMG Guidelines, 2015. Collection method: not provided. Allele origin: germline. Inheritance: Autosomal recessive inheritance. Affected: yes.